The following is an entry in ClinVar:

ClinVar aggregate classification (germline): Uncertain significance (1 of 4 stars; one submission).

Conditions:
Distal hereditary motor neuropathy type 2. Identifiers: Orphanet 139525, MedGen C3711384, MeSH C580044, MONDO:0015352.

Allele frequency attached by ClinVar (database versions not stated): gnomAD 0.00001.
gnomAD v4.1: 1 of 1,613,918 alleles (0.000062%); highest among the groups gnomAD compares: Non-Finnish European, 0.000085%; no homozygotes.

Submission:

Labcorp Genetics (formerly Invitae), Labcorp
Classification: Uncertain significance for Distal hereditary motor neuropathy type 2. Last evaluated: 2022-07-27. Review status: criteria provided, single submitter. Criteria: Invitae Variant Classification Sherloc (09022015). Collection method: clinical testing. Allele origin: germline.
Comment: This sequence change replaces methionine, which is neutral and non-polar, with threonine, which is neutral and polar, at codon 918 of the FBXO38 protein (p.Met918Thr). This variant is not present in population databases (gnomAD no frequency). This variant has not been reported in the literature in individuals affected with FBXO38-related conditions. Algorithms developed to predict the effect of missense changes on protein structure and function are either unavailable or do not agree on the potential impact of this missense change (SIFT: "Deleterious"; PolyPhen-2: "Possibly Damaging"; Align-GVGD: "Class C0"). In summary, the available evidence is currently insufficient to determine the role of this variant in disease. Therefore, it has been classified as a Variant of Uncertain Significance.

NM_205836.3(FBXO38):c.2978T>C (p.Met993Thr)

Gene: FBXO38 (F-box protein 38; plus strand). Cytogenetic location: 5q32.
Variant type: single nucleotide variant.
Coding change: c.2978T>C on transcript NM_205836.3 (MANE Select); coding-DNA position 2978, T replaced by C.
Protein change: p.Met993Thr; replaces methionine 993 with threonine.
Molecular consequence: missense variant.
Genome position (GRCh38, 1-based): chr5:148,438,452, T>C. VCF-style: chr5-148438452-T-C. GRCh37 (hg19) VCF-style: chr5-147818015-T-C.
Other names: c.2243T>C, p.Met748Thr (NM_001271723.2); c.2753T>C, p.Met918Thr (NM_030793.5); short protein forms M748T, M918T, M993T.
Identifiers: ClinVar variation 2420665 (VCV002420665.6), dbSNP rs1754475974, ClinGen allele CA361660538.
Genomic context (GRCh38, chr5:148,438,452, plus strand): 5'-TTGACTATGCACAGTGCAAGAAACTGAACATGGATCAGGTACTAGACCAGATACTAAGAA[T>C]GCCACCCGAGAGAAACCGCATCATATACCTACGCCCAATGCAGCAGGTAACGAGCTTTGC-3'
Protein context (NP_995308.1, residues 983-1003): MDQVLDQILR[Met993Thr]PPERNRIIYL